The following is an entry in ClinVar:

NM_000452.3(SLC10A2):c.838C>G (p.Pro280Ala)

Gene: SLC10A2 (solute carrier family 10 member 2; minus strand). Cytogenetic location: 13q33.1.
Variant type: single nucleotide variant.
Coding change: c.838C>G on transcript NM_000452.3 (MANE Select); coding-DNA position 838, C replaced by G.
Protein change: p.Pro280Ala; replaces proline 280 with alanine.
Molecular consequence: missense variant.
Genome position (GRCh38, 1-based): chr13:103,049,370, G>C on the plus strand (C>G on the coding strand, the complement: SLC10A2 is on the minus strand). VCF-style: chr13-103049370-G-C. GRCh37 (hg19) VCF-style: chr13-103701720-G-C.
Other names: short protein forms P280A.
Identifiers: ClinVar variation 2574938 (VCV002574938.5), dbSNP rs368208399, ClinGen allele CA7042026.
Genomic context (GRCh38, chr13:103,049,370, plus strand): 5'-AGGCGAGCTGGAAAATGCTGTAGATGAGCGGGAAGGTGAATACGACATTGAGCTCCTCAG[G>C]AGTGAAGGAGAGCTGAACGATGGTGGAACATAGCTGCGTGTTCTGCATCCCCGTTTCAAA-3'
Protein context (NP_000443.2, residues 270-290): CSTIVQLSFT[Pro280Ala]EELNVVFTFP

ClinVar aggregate classification (germline): Uncertain significance. Review status: criteria provided, multiple submitters, no conflicts (2 of 4 stars). 3 submissions from 3 submitters: Uncertain significance (3). Last evaluated 2025-11-02.

Allele frequency attached by ClinVar (database versions not stated): ESP Exome Variant Server 0.00008; ExAC 0.00002.
gnomAD v4.1: 137 of 1,613,898 alleles (0.0085%); highest among the groups gnomAD compares: Non-Finnish European, 0.012%; no homozygotes.

Submissions (3):

Ambry Genetics
Classification: Uncertain significance. Last evaluated: 2025-11-02. Review status: criteria provided, single submitter. Criteria: Ambry Variant Classification Scheme 2023. Collection method: clinical testing. Allele origin: germline.

Labcorp Genetics (formerly Invitae), Labcorp
Classification: Uncertain significance. Last evaluated: 2025-10-21. Review status: criteria provided, single submitter. Criteria: Invitae Variant Classification Sherloc (09022015). Collection method: clinical testing. Allele origin: germline.
Comment: This sequence change replaces proline, which is neutral and non-polar, with alanine, which is neutral and non-polar, at codon 280 of the SLC10A2 protein (p.Pro280Ala). This variant is present in population databases (rs368208399, gnomAD 0.006%). This variant has not been reported in the literature in individuals affected with SLC10A2-related conditions. ClinVar contains an entry for this variant (Variation ID: 2574938). Invitae Evidence Modeling of protein sequence and biophysical properties (such as structural, functional, and spatial information, amino acid conservation, physicochemical variation, residue mobility, and thermodynamic stability) indicates that this missense variant is not expected to disrupt SLC10A2 protein function with a negative predictive value of 80%. In summary, the available evidence is currently insufficient to determine the role of this variant in disease. Therefore, it has been classified as a Variant of Uncertain Significance.

GeneDx
Classification: Uncertain significance. Last evaluated: 2023-02-06. Review status: criteria provided, single submitter. Criteria: GeneDx Variant Classification Process June 2021. Collection method: clinical testing. Allele origin: germline. Affected: yes.
Comment: In silico analysis supports that this missense variant has a deleterious effect on protein structure/function; Has not been previously published as pathogenic or benign to our knowledge